The following is an entry in ClinVar:

NM_033056.4(PCDH15):c.5294_5302del (p.Leu1765_Pro1767del)

Gene: PCDH15 (protocadherin related 15; minus strand). Cytogenetic location: 10q21.1.
Variant type: Deletion.
Coding change: c.5294_5302del on transcript NM_033056.4 (MANE Plus Clinical); coding-DNA positions 5294 to 5302, 9 bases deleted (TTGCTCCTC; older notation c.5294_5302delTTGCTCCTC).
Protein change: p.Leu1765_Pro1767del.
Molecular consequence: inframe deletion. On other transcripts: intron variant (8).
Genome position (GRCh38, 1-based): chr10:53,822,424-53,822,432, GAGGAGCAA deleted on the plus strand (TTGCTCCTC on the coding strand, the reverse complement: PCDH15 is on the minus strand); deleting any 9 consecutive bases within chr10:53,822,424-53,822,440 gives the same sequence; the c. name uses the placement nearest the transcript's 3' end. VCF-style (leftmost placement, unchanged base first): chr10-53822423-GGAGGAGCAA-G. GRCh37 (hg19) VCF-style: chr10-55582183-GGAGGAGCAA-G.
Other names: c.5294_5302del (NM_033056.3); c.5300_5308del, p.Leu1767_Pro1769del (NM_001142764.2); c.5087_5095del, p.Leu1696_Pro1698del (NM_001142765.2); c.5285_5293del, p.Leu1762_Pro1764del (NM_001142766.2); c.5174_5182del, p.Leu1725_Pro1727del (NM_001142767.2); c.5234_5242del, p.Leu1745_Pro1747del (NM_001142768.2); c.5225_5233del, p.Leu1742_Pro1744del (NM_001142773.2); c.5228_5236del, p.Leu1743_Pro1745del (NM_001354404.2); and 9 more.
Identifiers: ClinVar variation 167425 (VCV000167425.46), dbSNP rs557936064, ClinGen allele CA180271.

ClinVar aggregate classification (germline): Benign/Likely benign. Review status: criteria provided, multiple submitters, no conflicts (2 of 4 stars). 8 submissions from 8 submitters: Benign (2); Likely benign (5). 1 of the submissions does not count toward it. Last evaluated 2026-02-04.

Conditions:
PCDH15-related disorder. Also called: PCDH15-related condition; PCDH15-related disorders.
Usher syndrome type 1D (USH1D). Also called: USHER SYNDROME, TYPE ID. Identifiers: Orphanet 231169, Orphanet 886, MedGen C1832845, MONDO:0010984, OMIM 601067.
Usher syndrome type 1F (USH1F). Also called: USHER SYNDROME, TYPE IF. Identifiers: Orphanet 231169, Orphanet 886, MedGen C1865885, MONDO:0011186, OMIM 602083.
Autosomal recessive nonsyndromic hearing loss 23. Identifiers: Orphanet 90636, MedGen C1836027, MONDO:0012293, OMIM 609533.

Submissions (8):

Labcorp Genetics (formerly Invitae), Labcorp
Classification: Likely benign. Last evaluated: 2026-02-04. Review status: criteria provided, single submitter. Criteria: Invitae Variant Classification Sherloc (09022015). Collection method: clinical testing. Allele origin: germline.

Blueprint Genetics
Classification: Likely benign. Last evaluated: 2024-11-27. Review status: criteria provided, single submitter. Criteria: ACMG Guidelines, 2015. Collection method: clinical testing. Allele origin: germline.

CeGaT Center for Human Genetics Tuebingen
Classification: Likely benign. Last evaluated: 2024-02-01. Review status: criteria provided, single submitter. Criteria: CeGaT Center For Human Genetics Tuebingen Variant Classification Criteria Version 2. Collection method: clinical testing. Allele origin: germline. Affected: yes. Observed: 1 variant allele.
Comment: PCDH15: BP3

Fulgent Genetics
Classification: Likely benign for Usher syndrome type 1D; Usher syndrome type 1F; Autosomal recessive nonsyndromic hearing loss 23. Last evaluated: 2022-05-18. Review status: criteria provided, single submitter. Criteria: ACMG Guidelines, 2015. Collection method: clinical testing. Allele origin: unknown.

GeneDx
Classification: Likely benign. Last evaluated: 2021-03-17. Review status: criteria provided, single submitter. Criteria: GeneDx Variant Classification Process June 2021. Collection method: clinical testing. Allele origin: germline. Affected: yes.
Comment: This variant is associated with the following publications: (PMID: 25307757)

Laboratory for Molecular Medicine, Mass General Brigham Personalized Medicine
Classification: Benign. Last evaluated: 2015-06-11. Review status: criteria provided, single submitter. Criteria: LMM Criteria. Collection method: clinical testing. Allele origin: germline. Observed: 5 variant alleles.
Comment: p.Leu1765_Pro1767del in exon 33 of PCDH15: This variant is not expected to have clinical significance because it has been identified in 0.4% (96/24474) of Europ ean chromosomes by the Exome Aggregation Consortium (ExAC).

Eurofins Ntd Llc (ga)
Classification: Benign. Last evaluated: 2014-04-03. Review status: criteria provided, single submitter. Criteria: EGL Classification Definitions 2015. Collection method: clinical testing. Allele origin: germline. Observed: 1 variant allele, 1 heterozygote.

PreventionGenetics, part of Exact Sciences
Classification: Likely benign for PCDH15-related condition. Last evaluated: 2021-01-08. Review status: no assertion criteria provided. Collection method: clinical testing. Allele origin: germline. Not counted in ClinVar's aggregate classification.
Comment: This variant is classified as likely benign based on ACMG/AMP sequence variant interpretation guidelines (Richards et al. 2015 PMID: 25741868, with internal and published modifications).

Literature cited by the submitters: PubMed 25307757 (cited by Laboratory for Molecular Medicine, Mass General Brigham Personalized Medicine).